The following is an entry in ClinVar:

ClinVar aggregate classification (germline): Likely pathogenic (1 of 4 stars; one submission).

Conditions:
Mucopolysaccharidosis, MPS-II (MPS2). Also called: Hunter Syndrome; IDURONATE 2-SULFATASE DEFICIENCY; Mucopolysaccharidosis Type II; Mucopolysaccharidosis type 2; Attenuated MPS (subtype; formerly known as mild MPS II); Severe MPS II. Identifiers: Orphanet 580, Orphanet 79388, MedGen C0026705, MONDO:0010674, OMIM 309900.

Submission:

Laboratory of Diagnosis and Therapy of Lysosomal Disorders, University of Padova
Classification: Likely pathogenic for Mucopolysaccharidosis, MPS-II. Last evaluated: 2024-06-07. Review status: criteria provided, single submitter. Criteria: ACMG Guidelines, 2015. Collection method: literature only. Allele origin: germline. Affected: yes. Observed: 2 variant alleles.
Comment: Absent from controls (or at low frequency) in gnomAD database (PM2_Moderate), Missense variant in a gene with a low rate of benign missense variation (PP2_Supporting), Multiple lines of computational evidence support a deleterious effect (PP3_Supporting), Patient’s phenotype or family history highly specific for the disease (PP4_Strong)

Classification method: ACMG Guidelines [PMID:25741868] with modifications

Literature cited by the submitters: PubMed 27246110; PubMed 8940265.

NM_000202.8(IDS):c.400G>C (p.Gly134Arg)

Gene: IDS (iduronate 2-sulfatase; minus strand). Cytogenetic location: Xq28.
Variant type: single nucleotide variant.
Coding change: c.400G>C on transcript NM_000202.8 (MANE Select); coding-DNA position 400, G replaced by C.
Protein change: p.Gly134Arg; replaces glycine 134 with arginine.
Molecular consequence: missense variant. On other transcripts: non-coding transcript variant (1).
Genome position (GRCh38, 1-based): chrX:149,503,330, C>G on the plus strand (G>C on the coding strand, the complement: IDS is on the minus strand). VCF-style: chrX-149503330-C-G. GRCh37 (hg19) VCF-style: chrX-148584860-C-G.
Other names: c.130G>C, p.Gly44Arg (NM_001166550.4); c.400G>C, p.Gly134Arg (NM_006123.5); short protein forms G134R, G44R.
Identifiers: ClinVar variation 3255697 (VCV003255697.2).